The following is an entry in ClinVar:

NM_153006.3(NAGS):c.1526G>A (p.Arg509Gln)

Gene: NAGS (N-acetylglutamate synthase; plus strand). Cytogenetic location: 17q21.31.
Variant type: single nucleotide variant.
Coding change: c.1526G>A on transcript NM_153006.3 (MANE Select); coding-DNA position 1526, G replaced by A.
Protein change: p.Arg509Gln; replaces arginine 509 with glutamine.
Molecular consequence: missense variant.
Genome position (GRCh38, 1-based): chr17:44,008,522, G>A. VCF-style: chr17-44008522-G-A. GRCh37 (hg19) VCF-style: chr17-42085890-G-A.
Other names: c.1526G>A (NM_153006.2); short protein forms R509Q.
Identifiers: ClinVar variation 1474975 (VCV001474975.15), dbSNP rs759076608, ClinGen allele CA8595448.

ClinVar aggregate classification (germline): Conflicting classifications of pathogenicity. Review status: criteria provided, conflicting classifications (1 of 4 stars). 6 submissions from 6 submitters: Pathogenic (1); Likely pathogenic (2); Uncertain significance (3). Last evaluated 2025-03-14.

Conditions:
Inborn genetic diseases. Identifiers: MedGen C0950123, MeSH D030342.
NAGS-related disorder. Also called: NAGS-related condition.
Hyperammonemia, type III (NAGSD). Also called: Hyperammonemia due to N-acetylglutamate synthase deficiency. Identifiers: Orphanet 927, MedGen C0268543, MONDO:0009377, OMIM 237310.

Allele frequency attached by ClinVar (database versions not stated): ExAC 0.00002; gnomAD exomes 0.00002 and 0.00009; gnomAD 0.00003 and 0.00004; TOPMed 0.00005.

Submissions (6):

Dasa
Classification: Uncertain significance. Last evaluated: 2025-03-14. Review status: criteria provided, single submitter. Criteria: DASA Assertion Criteria. Collection method: clinical testing. Allele origin: germline.
Comment: NM_153006.3(NAGS):c.1526G>A (p.Arg509Gln) is a missense variant that results in the substitution of arginine with glutamine. This variant has been recurrently observed in individuals with NAGS-related disorders (PMID: 15714518; PMID: 15050968). Functional evidence supports an impact on the gene or gene product (PMID: 15714518; PMID: 15050968). Also, this variant is rare in population databases. The currently available literature and clinical evidence are not sufficient to establish a definitive association between this variant and the reported condition. Therefore, this variant is classified as a variant of uncertain significance.

PreventionGenetics, part of Exact Sciences
Classification: Likely pathogenic for NAGS-related condition. Last evaluated: 2024-11-27. Review status: criteria provided, single submitter. Criteria: ACMG Guidelines, 2015. Collection method: clinical testing. Allele origin: germline.
Comment: The NAGS c.1526G>A variant is predicted to result in the amino acid substitution p.Arg509Gln. This variant has been reported in the compound heterozygous state with a pathogenic variant (c.1097-1G>C) in two individuals from one family with late onset N-acetylglutamate synthase (NAGS) deficiency and functional studies showed this variant reduced the affinity for the substrates and decreased the enzyme activity (Caldovic et al. 2005. PubMed ID: 15714518). This variant is reported in 0.0040% of alleles in individuals of African descent in gnomAD. This variant is interpreted as likely pathogenic.

Labcorp Genetics (formerly Invitae), Labcorp
Classification: Likely pathogenic for Hyperammonemia, type III. Last evaluated: 2024-03-21. Review status: criteria provided, single submitter. Criteria: Invitae Variant Classification Sherloc (09022015). Collection method: clinical testing. Allele origin: germline.
Comment: This sequence change replaces arginine, which is basic and polar, with glutamine, which is neutral and polar, at codon 509 of the NAGS protein (p.Arg509Gln). This variant is present in population databases (rs759076608, gnomAD 0.004%). This missense change has been observed in individual(s) with N-acetylglutamate synthase deficiency (PMID: 15050968). In at least one individual the data is consistent with being in trans (on the opposite chromosome) from a pathogenic variant. It has also been observed to segregate with disease in related individuals. ClinVar contains an entry for this variant (Variation ID: 1474975). Advanced modeling of protein sequence and biophysical properties (such as structural, functional, and spatial information, amino acid conservation, physicochemical variation, residue mobility, and thermodynamic stability) performed at Invitae indicates that this missense variant is not expected to disrupt NAGS protein function with a negative predictive value of 80%. Experimental studies have shown that this missense change affects NAGS function (PMID: 15714518). In summary, the currently available evidence indicates that the variant is pathogenic, but additional data are needed to prove that conclusively. Therefore, this variant has been classified as Likely Pathogenic.

GeneDx
Classification: Uncertain significance. Last evaluated: 2023-05-01. Review status: criteria provided, single submitter. Criteria: GeneDx Variant Classification Process June 2021. Collection method: clinical testing. Allele origin: germline. Affected: yes.
Comment: Not observed at significant frequency in large population cohorts (gnomAD); In silico analysis supports that this missense variant does not alter protein structure/function; Identified in a patient with a urea cycle disorder in the literature, but it is unknown whether this individual was tested for variants in other genes associated with urea cycle disorders (Caldovic et al., 2005); This variant is associated with the following publications: (PMID: 17421020, 15050968, 27037498, 15714518)

Ambry Genetics
Classification: Uncertain significance for Inborn genetic diseases. Last evaluated: 2022-09-09. Review status: criteria provided, single submitter. Criteria: Ambry Variant Classification Scheme 2023. Collection method: clinical testing. Allele origin: germline.
Comment: The c.1526G>A (p.R509Q) alteration is located in exon 7 (coding exon 7) of the NAGS gene. This alteration results from a G to A substitution at nucleotide position 1526, causing the arginine (R) at amino acid position 509 to be replaced by a glutamine (Q). Based on data from gnomAD, the A allele has an overall frequency of 0.002% (5/282904) total alleles studied. The highest observed frequency was 0.004% (1/24972) of African alleles. This variant has been reported in trans with a NAGS pathogenic variant in individuals with clinical features of N-acetylglutamate synthase deficiency (Morizono, 2004; Caldovic, 2005; Caldovic, 2007). This amino acid position is highly conserved in available vertebrate species. Functional assays show that p.R509Q has reduced enzyme activity compared to the control in vitro (Caldovic, 2005). The in silico prediction for this alteration is inconclusive. Based on insufficient or conflicting evidence, the clinical significance of this alteration remains unclear.

Genetics and Genomic Medicine Centre, NeuroGen Healthcare, NeuroGen Healthcare
Classification: Pathogenic for Hyperammonemia, type III. Last evaluated: 2020-09-02. Review status: criteria provided, single submitter. Criteria: Submitter's publication. Collection method: clinical testing. Allele origin: unknown. Affected: no.

Literature cited by the submitters: PubMed 15714518 (cited by 3 submitters); PubMed 15050968 (cited by 3 submitters); PubMed 17421020 (cited by Ambry Genetics).